The following is an entry in ClinVar:

NM_006031.6(PCNT):c.5661C>T (p.His1887=)

Gene: PCNT (pericentrin; plus strand). Cytogenetic location: 21q22.3.
Variant type: single nucleotide variant.
Coding change: c.5661C>T on transcript NM_006031.6 (MANE Select); coding-DNA position 5661, C replaced by T.
Protein change: p.His1887=; no amino-acid change (histidine 1887 retained).
Molecular consequence: synonymous variant.
Genome position (GRCh38, 1-based): chr21:46,411,734, C>T. VCF-style: chr21-46411734-C-T. GRCh37 (hg19) VCF-style: chr21-47831648-C-T.
Other names: c.5661C>T (NM_006031.5); c.5307C>T, p.His1769= (NM_001315529.2).
Identifiers: ClinVar variation 1662693 (VCV001662693.10), dbSNP rs145784615, ClinGen allele CA10080052.

ClinVar aggregate classification (germline): Likely benign. Review status: criteria provided, multiple submitters, no conflicts (2 of 4 stars). 2 submissions from 2 submitters: Likely benign (2). Last evaluated 2025-09-04.

Conditions:
PCNT-related disorder. Also called: PCNT-related condition.

Allele frequency attached by ClinVar (database versions not stated): gnomAD exomes 0.00001 and 0.00002; ExAC 0.00004; ESP Exome Variant Server 0.00008; gnomAD 0.00013 and 0.00014; 1000 Genomes Project 30x 0.00016; 1000 Genomes Project 0.00020; TOPMed 0.00028.
gnomAD v4.1: 43 of 1,611,858 alleles (0.0027%); highest among the groups gnomAD compares: Middle Eastern, 0.033%; no homozygotes.

Submissions (2):

Labcorp Genetics (formerly Invitae), Labcorp
Classification: Likely benign. Last evaluated: 2025-09-04. Review status: criteria provided, single submitter. Criteria: Invitae Variant Classification Sherloc (09022015). Collection method: clinical testing. Allele origin: germline.

PreventionGenetics, part of Exact Sciences
Classification: Likely benign for PCNT-related condition. Last evaluated: 2025-06-30. Review status: criteria provided, single submitter. Criteria: ACMG Guidelines, 2015. Collection method: clinical testing. Allele origin: germline.
Comment: This variant is classified as likely benign based on ACMG/AMP sequence variant interpretation guidelines (Richards et al. 2015 PMID: 25741868, with internal and published modifications).